The following is an entry in ClinVar:

ClinVar aggregate classification (germline): Uncertain significance (1 of 4 stars; one submission).

Submission:

Women's Health and Genetics/Laboratory Corporation of America, LabCorp
Classification: Uncertain significance. Last evaluated: 2024-08-22. Review status: criteria provided, single submitter. Criteria: LabCorp Variant Classification Summary - May 2015. Collection method: clinical testing. Allele origin: germline.
Comment: Variant summary: SLC25A20 c.94G>A (p.Asp32Asn) results in a conservative amino acid change in the encoded protein sequence. Four of five in-silico tools predict a damaging effect of the variant on protein function. The variant was absent in 233954 control chromosomes (gnomAD). The available data on variant occurrences in the general population are insufficient to allow any conclusion about variant significance. c.94G>A has been reported in the literature in one individual affected with Carnitine-Acylcarnitine Translocase Deficiency (Costa_2003). These data do not allow any conclusion about variant significance. To our knowledge, no experimental evidence demonstrating an impact on protein function has been reported. The following publication have been ascertained in the context of this evaluation (PMID: 12559850). No submitters have cited clinical-significance assessments for this variant to ClinVar. Based on the evidence outlined above, the variant was classified as uncertain significance.

Literature cited by the submitters: PubMed 12559850.

NM_000387.6(SLC25A20):c.94G>A (p.Asp32Asn)

Gene: SLC25A20 (solute carrier family 25 member 20; minus strand). Cytogenetic location: 3p21.31.
Variant type: single nucleotide variant.
Coding change: c.94G>A on transcript NM_000387.6 (MANE Select); coding-DNA position 94, G replaced by A.
Protein change: p.Asp32Asn; replaces aspartic acid 32 with asparagine.
Molecular consequence: missense variant.
Genome position (GRCh38, 1-based): chr3:48,898,701, C>T on the plus strand (G>A on the coding strand, the complement: SLC25A20 is on the minus strand). VCF-style: chr3-48898701-C-T. GRCh37 (hg19) VCF-style: chr3-48936134-C-T.
Other names: short protein forms D32N.
Identifiers: ClinVar variation 3366657 (VCV003366657.1).